The following is an entry in ClinVar:

NM_000222.3(KIT):c.58G>A (p.Val20Ile)

Gene: KIT (KIT proto-oncogene, receptor tyrosine kinase; plus strand). Cytogenetic location: 4q12.
Variant type: single nucleotide variant.
Coding change: c.58G>A on transcript NM_000222.3 (MANE Select); coding-DNA position 58, G replaced by A.
Protein change: p.Val20Ile; replaces valine 20 with isoleucine.
Molecular consequence: missense variant.
Genome position (GRCh38, 1-based): chr4:54,658,072, G>A. VCF-style: chr4-54658072-G-A. GRCh37 (hg19) VCF-style: chr4-55524239-G-A.
Other names: c.58G>A, p.Val20Ile (NM_001093772.2, NM_001385284.1, NM_001385285.1 and 4 more transcripts); short protein forms V20I.
Identifiers: ClinVar variation 1026234 (VCV001026234.9), dbSNP rs1553881787, ClinGen allele CA356898007.

ClinVar aggregate classification (germline): Uncertain significance (1 of 4 stars; one submission).

Conditions:
Gastrointestinal stromal tumor. Also called: Gastrointestinal stromal tumor, somatic; Gastrointestinal stroma tumor. Identifiers: Orphanet 44890, MedGen C0238198, MeSH D046152, MONDO:0011719, OMIM 606764, HP:0100723.

Submission:

Labcorp Genetics (formerly Invitae), Labcorp
Classification: Uncertain significance for Gastrointestinal stromal tumor. Last evaluated: 2020-01-13. Review status: criteria provided, single submitter. Criteria: Invitae Variant Classification Sherloc (09022015). Collection method: clinical testing. Allele origin: germline.
Comment: In summary, the available evidence is currently insufficient to determine the role of this variant in disease. Therefore, it has been classified as a Variant of Uncertain Significance. Algorithms developed to predict the effect of missense changes on protein structure and function (SIFT, PolyPhen-2, Align-GVGD) all suggest that this variant is likely to be tolerated, but these predictions have not been confirmed by published functional studies and their clinical significance is uncertain. This variant has not been reported in the literature in individuals with KIT-related conditions. This variant is not present in population databases (ExAC no frequency). This sequence change replaces valine with isoleucine at codon 20 of the KIT protein (p.Val20Ile). The valine residue is moderately conserved and there is a small physicochemical difference between valine and isoleucine.